The following is an entry in ClinVar:

NM_001363711.2(DUOX2):c.3355C>T (p.Pro1119Ser)

Gene: DUOX2 (dual oxidase 2; minus strand). Cytogenetic location: 15q21.1.
Variant type: single nucleotide variant.
Coding change: c.3355C>T on transcript NM_001363711.2 (MANE Select); coding-DNA position 3355, C replaced by T.
Protein change: p.Pro1119Ser; replaces proline 1119 with serine.
Molecular consequence: missense variant.
Genome position (GRCh38, 1-based): chr15:45,099,722, G>A on the plus strand (C>T on the coding strand, the complement: DUOX2 is on the minus strand). VCF-style: chr15-45099722-G-A. GRCh37 (hg19) VCF-style: chr15-45391920-G-A.
Other names: c.3355C>T, p.Pro1119Ser (NM_014080.5); short protein forms P1119S.
Identifiers: ClinVar variation 1313968 (VCV001313968.5), dbSNP rs1274376858, ClinGen allele CA392260055.

ClinVar aggregate classification (germline): Uncertain significance. Review status: criteria provided, multiple submitters, no conflicts (2 of 4 stars). 2 submissions from 2 submitters: Uncertain significance (2). Last evaluated 2023-06-09.

Submissions (2):

Labcorp Genetics (formerly Invitae), Labcorp
Classification: Uncertain significance. Last evaluated: 2023-06-09. Review status: criteria provided, single submitter. Criteria: Invitae Variant Classification Sherloc (09022015). Collection method: clinical testing. Allele origin: germline.
Comment: In summary, the available evidence is currently insufficient to determine the role of this variant in disease. Therefore, it has been classified as a Variant of Uncertain Significance. Algorithms developed to predict the effect of sequence changes on RNA splicing suggest that this variant may create or strengthen a splice site. Advanced modeling of protein sequence and biophysical properties (such as structural, functional, and spatial information, amino acid conservation, physicochemical variation, residue mobility, and thermodynamic stability) performed at Invitae indicates that this missense variant is expected to disrupt DUOX2 protein function. ClinVar contains an entry for this variant (Variation ID: 1313968). This variant has not been reported in the literature in individuals affected with DUOX2-related conditions. This variant is not present in population databases (gnomAD no frequency). This sequence change replaces proline, which is neutral and non-polar, with serine, which is neutral and polar, at codon 1119 of the DUOX2 protein (p.Pro1119Ser).

GeneDx
Classification: Uncertain significance. Last evaluated: 2020-01-24. Review status: criteria provided, single submitter. Criteria: GeneDx Variant Classification Process June 2021. Collection method: clinical testing. Allele origin: germline. Affected: yes.
Comment: Not observed in large population cohorts (Lek et al., 2016); In silico analysis, which includes protein predictors and evolutionary conservation, supports a deleterious effect; Has not been previously published as pathogenic or benign to our knowledge